The following is an entry in ClinVar:

NM_005076.5(CNTN2):c.298C>T (p.Pro100Ser)

Gene: CNTN2 (contactin 2; plus strand). Cytogenetic location: 1q32.1.
Variant type: single nucleotide variant.
Coding change: c.298C>T on transcript NM_005076.5 (MANE Select); coding-DNA position 298, C replaced by T.
Protein change: p.Pro100Ser; replaces proline 100 with serine.
Molecular consequence: missense variant. On other transcripts: non-coding transcript variant (1).
Genome position (GRCh38, 1-based): chr1:205,058,263, C>T. VCF-style: chr1-205058263-C-T. GRCh37 (hg19) VCF-style: chr1-205027391-C-T.
Other names: c.298C>T, p.Pro100Ser (NM_001346083.2); short protein forms P100S.
Identifiers: ClinVar variation 1347580 (VCV001347580.6), dbSNP rs1350606305, ClinGen allele CA344404833.

ClinVar aggregate classification (germline): Uncertain significance (1 of 4 stars; one submission).

Conditions:
Epilepsy, familial adult myoclonic, 5 (EPEO5). Also called: CORTICAL MYOCLONIC TREMOR WITH EPILEPSY, FAMILIAL, 5. Identifiers: Orphanet 86814, MedGen C3809374, MONDO:0014167, OMIM 615400.

Submission:

Labcorp Genetics (formerly Invitae), Labcorp
Classification: Uncertain significance for Epilepsy, familial adult myoclonic, 5. Last evaluated: 2021-10-27. Review status: criteria provided, single submitter. Criteria: Invitae Variant Classification Sherloc (09022015). Collection method: clinical testing. Allele origin: germline.
Comment: In summary, the available evidence is currently insufficient to determine the role of this variant in disease. Therefore, it has been classified as a Variant of Uncertain Significance. Advanced modeling of protein sequence and biophysical properties (such as structural, functional, and spatial information, amino acid conservation, physicochemical variation, residue mobility, and thermodynamic stability) performed at Invitae indicates that this missense variant is not expected to disrupt CNTN2 protein function. This variant has not been reported in the literature in individuals affected with CNTN2-related conditions. This variant is not present in population databases (gnomAD no frequency). This sequence change replaces proline, a(n) neutral and non-polar amino acid, with serine, a(n) neutral and polar amino acid, at codon 100 of the CNTN2 protein (p.Pro100Ser).